The following is an entry in ClinVar:

ClinVar aggregate classification (germline): Uncertain significance (1 of 4 stars; one submission).

Submission:

GeneDx
Classification: Uncertain significance. Last evaluated: 2024-04-25. Review status: criteria provided, single submitter. Criteria: GeneDx Variant Classification Process June 2021. Collection method: clinical testing. Allele origin: germline. Affected: yes.
Comment: Not observed at significant frequency in large population cohorts (gnomAD); In silico analysis supports that this missense variant has a deleterious effect on protein structure/function; Has not been previously published as pathogenic or benign to our knowledge.

NM_003470.3(USP7):c.905T>G (p.Val302Gly)

Gene: USP7 (ubiquitin specific peptidase 7; minus strand). Cytogenetic location: 16p13.2.
Variant type: single nucleotide variant.
Coding change: c.905T>G on transcript NM_003470.3 (MANE Select); coding-DNA position 905, T replaced by G.
Protein change: p.Val302Gly; replaces valine 302 with glycine.
Molecular consequence: missense variant. On other transcripts: non-coding transcript variant (1).
Genome position (GRCh38, 1-based): chr16:8,916,503, A>C on the plus strand (T>G on the coding strand, the complement: USP7 is on the minus strand). VCF-style: chr16-8916503-A-C. GRCh37 (hg19) VCF-style: chr16-9010360-A-C.
Other names: c.857T>G, p.Val286Gly (NM_001286457.2); c.608T>G, p.Val203Gly (NM_001286458.2); c.731T>G, p.Val244Gly (NM_001321858.2); short protein forms V203G, V244G, V286G, V302G.
Identifiers: ClinVar variation 3378117 (VCV003378117.1).
Genomic context (GRCh38, chr16:8,916,503, plus strand): 5'-TCTGACCATGCTTCAAAATATTCATTGTAAGAAATATACAAGTATTGCTTGAAACTTACC[A>C]CTCGACAAAGCTCCTGAACATCATGTTGCATGAAGCTATCTAAAGTTTCCCACCTTTCAA-3'
Protein context (NP_003461.2, residues 292-312): MQHDVQELCR[Val302Gly]LLDNVENKMK